The following is an entry in ClinVar:

NM_000088.4(COL1A1):c.1057-2A>T

Gene: COL1A1 (collagen type I alpha 1 chain; minus strand). Cytogenetic location: 17q21.33.
Variant type: single nucleotide variant.
Coding change: c.1057-2A>T on transcript NM_000088.4 (MANE Select); the canonical splice acceptor site of the intron before coding-DNA position 1057, A replaced by T.
Molecular consequence: splice acceptor variant.
Genome position (GRCh38, 1-based): chr17:50,195,667, T>A on the plus strand (A>T on the coding strand, the complement: COL1A1 is on the minus strand). VCF-style: chr17-50195667-T-A. GRCh37 (hg19) VCF-style: chr17-48273028-T-A.
Identifiers: ClinVar variation 1702090 (VCV001702090.8), dbSNP rs66511271, ClinGen allele CA400220334.
Genomic context (GRCh38, chr17:50,195,667, plus strand): 5'-TCACCACGCACACCCTGGGGACCTTCAGAGCCTCGGGGCCCTTGGGGACCAGCTTCACCC[T>A]GAATCAGAAGAAAGGACATATCAGAAGCCACCCTGGGAAACCCAACCTTGCCTCTCGGGA-3'

ClinVar aggregate classification (germline): Pathogenic/Likely pathogenic. Review status: criteria provided, multiple submitters, no conflicts (2 of 4 stars). 2 submissions from 2 submitters: Pathogenic (1); Likely pathogenic (1). Last evaluated 2026-01-19.

Conditions:
Osteogenesis imperfecta (OI). Identifiers: Orphanet 666, MedGen C0029434, MeSH D010013, MONDO:0019019.
Osteogenesis imperfecta type I (OI1). Also called: OSTEOGENESIS IMPERFECTA TARDA; OSTEOGENESIS IMPERFECTA WITH BLUE SCLERAE; Osteogenesis imperfecta type 1; Lobstein's Disease; Classic Non-deforming Osteogenesis Imperfecta with Blue Sclerae; OI, TYPE I. Identifiers: Orphanet 216796, Orphanet 666, MedGen C0023931, MONDO:0008146, OMIM 166200. Disease mechanism: loss of function.

Submissions (2):

Labcorp Genetics (formerly Invitae), Labcorp
Classification: Pathogenic for Osteogenesis imperfecta type I. Last evaluated: 2026-01-19. Review status: criteria provided, single submitter. Criteria: Invitae Variant Classification Sherloc (09022015). Collection method: clinical testing. Allele origin: germline.
Comment: This sequence change affects an acceptor splice site in intron 16 of the COL1A1 gene. It is expected to disrupt RNA splicing. Variants that disrupt the donor or acceptor splice site typically lead to a loss of protein function (PMID: 16199547), and loss-of-function variants in COL1A1 are known to be pathogenic (PMID: 7942841, 9295084, 9443882). This variant is not present in population databases (gnomAD no frequency). Disruption of this splice site has been observed in individuals with osteogenesis imperfecta (PMID: 25963598). ClinVar contains an entry for this variant (Variation ID: 1702090). Algorithms developed to predict the effect of sequence changes on RNA splicing suggest that this variant may disrupt the consensus splice site. For these reasons, this variant has been classified as Pathogenic.

Genome Diagnostics Laboratory, The Hospital for Sick Children
Classification: Likely pathogenic for Osteogenesis imperfecta. Last evaluated: 2020-02-01. Review status: criteria provided, single submitter. Criteria: ACMG Guidelines, 2015. Collection method: clinical testing. Allele origin: germline.

Literature cited by the submitters: PubMed 16199547 (cited by Labcorp Genetics (formerly Invitae), Labcorp); PubMed 7942841 (cited by Labcorp Genetics (formerly Invitae), Labcorp); PubMed 9295084 (cited by Labcorp Genetics (formerly Invitae), Labcorp); PubMed 9443882 (cited by Labcorp Genetics (formerly Invitae), Labcorp); PubMed 25963598 (cited by Labcorp Genetics (formerly Invitae), Labcorp).